The following is an entry in ClinVar:

NM_001018115.3(FANCD2):c.1684C>T (p.Gln562Ter)

Genes: FANCD2 (FA complementation group D2; plus strand), LOC107303338 (3p25 FANCD2 Alu-mediated recombination region; plus strand). Cytogenetic location: 3p25.3.
Variant type: single nucleotide variant.
Coding change: c.1684C>T on transcript NM_001018115.3 (MANE Select); coding-DNA position 1684, C replaced by T.
Protein change: p.Gln562Ter; replaces glutamine 562 with a stop codon.
Molecular consequence: nonsense.
Genome position (GRCh38, 1-based): chr3:10,060,321, C>T. VCF-style: chr3-10060321-C-T. GRCh37 (hg19) VCF-style: chr3-10102005-C-T.
Other names: c.1684C>T (NM_001018115.2); c.1684C>T, p.Gln562Ter (NM_001319984.2, NM_001374254.1, NM_033084.6); c.1573C>T, p.Gln525Ter (NM_001374253.1); short protein forms Q525*, Q562*.
Identifiers: ClinVar variation 2675517 (VCV002675517.6), dbSNP rs1477306020, ClinGen allele CA351726704.

ClinVar aggregate classification (germline): Pathogenic/Likely pathogenic. Review status: criteria provided, multiple submitters, no conflicts (2 of 4 stars). 3 submissions from 3 submitters: Pathogenic (1); Likely pathogenic (2). Last evaluated 2025-01-03.

Conditions:
FANCD2-related disorder. Also called: FANCD2-related condition.
Fanconi anemia (FA). Also called: Fanconi's anemia. Identifiers: Orphanet 84, MedGen C0015625, MeSH D005199, MONDO:0019391.
Fanconi anemia complementation group D2. Also called: FANCONI ANEMIA, COMPLEMENTATION GROUP D; FANCD2-Related Fanconi Anemia; FANCONI PANCYTOPENIA, TYPE 4. Identifiers: Orphanet 84, MedGen C3160738, MONDO:0009214, OMIM 227646.

Allele frequency attached by ClinVar (database versions not stated): gnomAD exomes below 0.00001; TOPMed below 0.00001.
gnomAD v4.1: 2 of 1,612,490 alleles (0.00012%); highest among the groups gnomAD compares: Non-Finnish European, 0.00017%; no homozygotes.

Submissions (3):

PreventionGenetics, part of Exact Sciences
Classification: Likely pathogenic for FANCD2-related condition. Last evaluated: 2025-01-03. Review status: criteria provided, single submitter. Criteria: ACMG Guidelines, 2015. Collection method: clinical testing. Allele origin: germline.
Comment: The FANCD2 c.1684C>T variant is predicted to result in premature protein termination (p.Gln562*). To our knowledge, this variant has not been reported in the literature or in a large population database (gnomAD), indicating this variant is rare. Nonsense variants in FANCD2 are expected to be pathogenic. This variant is interpreted as likely pathogenic.

Baylor Genetics
Classification: Likely pathogenic for Fanconi anemia complementation group D2. Last evaluated: 2024-03-30. Review status: criteria provided, single submitter. Criteria: ACMG Guidelines, 2015. Collection method: clinical testing. Allele origin: unknown.

Labcorp Genetics (formerly Invitae), Labcorp
Classification: Pathogenic for Fanconi anemia. Last evaluated: 2023-10-06. Review status: criteria provided, single submitter. Criteria: Invitae Variant Classification Sherloc (09022015). Collection method: clinical testing. Allele origin: germline.
Comment: This sequence change creates a premature translational stop signal (p.Gln562*) in the FANCD2 gene. It is expected to result in an absent or disrupted protein product. Loss-of-function variants in FANCD2 are known to be pathogenic (PMID: 17436244). This variant is not present in population databases (gnomAD no frequency). This variant has not been reported in the literature in individuals affected with FANCD2-related conditions. For these reasons, this variant has been classified as Pathogenic.

Literature cited by the submitters: PubMed 17436244 (cited by Labcorp Genetics (formerly Invitae), Labcorp).